The following is an entry in ClinVar:

NM_153000.5(APCDD1):c.896G>A (p.Arg299His)

Gene: APCDD1 (APC down-regulated 1; plus strand). Cytogenetic location: 18p11.22.
Variant type: single nucleotide variant.
Coding change: c.896G>A on transcript NM_153000.5 (MANE Select); coding-DNA position 896, G replaced by A.
Protein change: p.Arg299His; replaces arginine 299 with histidine.
Molecular consequence: missense variant.
Genome position (GRCh38, 1-based): chr18:10,485,583, G>A. VCF-style: chr18-10485583-G-A. GRCh37 (hg19) VCF-style: chr18-10485580-G-A.
Other names: short protein forms R299H.
Identifiers: ClinVar variation 3710756 (VCV003710756.2).
Genomic context (GRCh38, chr18:10,485,583, plus strand): 5'-CCATCCTGCCCCCAAAGGCAGACCTGACCATCGGCCTGCACGGGGAGTGGGTGAGCCAGC[G>A]CTGTGAGGTGCGCCCCGAAGTCCTCTTCCTCACCCGCCACTTCATCTTCCATGACAACAA-3'
Protein context (NP_694545.1, residues 289-309): IGLHGEWVSQ[Arg299His]CEVRPEVLFL

ClinVar aggregate classification (germline): Uncertain significance (1 of 4 stars; one submission).

Submission:

Labcorp Genetics (formerly Invitae), Labcorp
Classification: Uncertain significance. Last evaluated: 2024-09-04. Review status: criteria provided, single submitter. Criteria: Invitae Variant Classification Sherloc (09022015). Collection method: clinical testing. Allele origin: germline.
Comment: This sequence change replaces arginine, which is basic and polar, with histidine, which is basic and polar, at codon 299 of the APCDD1 protein (p.Arg299His). This variant is present in population databases (rs201834801, gnomAD 0.01%). This variant has not been reported in the literature in individuals affected with APCDD1-related conditions. Invitae Evidence Modeling of protein sequence and biophysical properties (such as structural, functional, and spatial information, amino acid conservation, physicochemical variation, residue mobility, and thermodynamic stability) indicates that this missense variant is not expected to disrupt APCDD1 protein function with a negative predictive value of 80%. In summary, the available evidence is currently insufficient to determine the role of this variant in disease. Therefore, it has been classified as a Variant of Uncertain Significance.